The following is an entry in ClinVar:

ClinVar aggregate classification (germline): Uncertain significance (1 of 4 stars; one submission).

Conditions:
Autosomal dominant nonsyndromic hearing loss 1. Also called: KONIGSMARK SYNDROME; DEAFNESS, AUTOSOMAL DOMINANT 1, WITH OR WITHOUT THROMBOCYTOPENIA. Identifiers: Orphanet 90635, MedGen C1852282, MONDO:0007424, OMIM 124900.
Progressive microcephaly-seizures-cortical blindness-developmental delay syndrome. Also called: Seizures, cortical blindness, and microcephaly syndrome. Identifiers: Orphanet 477814, MedGen C5567650, MONDO:0014714, OMIM 616632.

Allele frequency attached by ClinVar (database versions not stated): gnomAD exomes 0.00001; ExAC 0.00007.

Submission:

Labcorp Genetics (formerly Invitae), Labcorp
Classification: Uncertain significance for Progressive microcephaly-seizures-cortical blindness-developmental delay syndrome; Autosomal dominant nonsyndromic hearing loss 1. Last evaluated: 2022-02-09. Review status: criteria provided, single submitter. Criteria: Invitae Variant Classification Sherloc (09022015). Collection method: clinical testing. Allele origin: germline.
Comment: This sequence change replaces proline, which is neutral and non-polar, with serine, which is neutral and polar, at codon 615 of the DIAPH1 protein (p.Pro615Ser). The frequency data for this variant in the population databases is considered unreliable, as metrics indicate poor data quality at this position in the gnomAD database. This variant has not been reported in the literature in individuals affected with DIAPH1-related conditions. Algorithms developed to predict the effect of missense changes on protein structure and function are either unavailable or do not agree on the potential impact of this missense change (SIFT: "Deleterious"; PolyPhen-2: "Not Available"; Align-GVGD: "Class C0"). In summary, the available evidence is currently insufficient to determine the role of this variant in disease. Therefore, it has been classified as a Variant of Uncertain Significance.

NM_005219.5(DIAPH1):c.1843C>T (p.Pro615Ser)

Gene: DIAPH1 (diaphanous related formin 1; minus strand). Cytogenetic location: 5q31.3.
Variant type: single nucleotide variant.
Coding change: c.1843C>T on transcript NM_005219.5 (MANE Select); coding-DNA position 1843, C replaced by T.
Protein change: p.Pro615Ser; replaces proline 615 with serine.
Molecular consequence: missense variant.
Genome position (GRCh38, 1-based): chr5:141,574,007, G>A on the plus strand (C>T on the coding strand, the complement: DIAPH1 is on the minus strand). VCF-style: chr5-141574007-G-A. GRCh37 (hg19) VCF-style: chr5-140953574-G-A.
Other names: c.1816C>T, p.Pro606Ser (NM_001079812.3); c.1843C>T, p.Pro615Ser (NM_001314007.2); short protein forms P615S, P606S.
Identifiers: ClinVar variation 1977972 (VCV001977972.5), dbSNP rs767932779, ClinGen allele CA3479204.